The following is an entry in ClinVar:

ClinVar aggregate classification (germline): Uncertain significance (1 of 4 stars; one submission).

Conditions:
Duchenne muscular dystrophy (DMD). Also called: MUSCULAR DYSTROPHY, PSEUDOHYPERTROPHIC PROGRESSIVE, DUCHENNE TYPE; Duchenne Muscular Dystrophy (DMD). Identifiers: Orphanet 98896, MedGen C0013264, MONDO:0010679, OMIM 310200.

Allele frequency attached by ClinVar (database versions not stated): TOPMed below 0.00001.
gnomAD v4.1: 1 of 1,206,379 alleles (0.000083%); no homozygotes.

Submission:

Labcorp Genetics (formerly Invitae), Labcorp
Classification: Uncertain significance for Duchenne muscular dystrophy. Last evaluated: 2023-10-18. Review status: criteria provided, single submitter. Criteria: Invitae Variant Classification Sherloc (09022015). Collection method: clinical testing. Allele origin: germline.
Comment: This sequence change replaces glutamic acid, which is acidic and polar, with valine, which is neutral and non-polar, at codon 876 of the DMD protein (p.Glu876Val). This variant is not present in population databases (gnomAD no frequency). This variant has not been reported in the literature in individuals affected with DMD-related conditions. Advanced modeling of protein sequence and biophysical properties (such as structural, functional, and spatial information, amino acid conservation, physicochemical variation, residue mobility, and thermodynamic stability) performed at Invitae indicates that this missense variant is not expected to disrupt DMD protein function. In summary, the available evidence is currently insufficient to determine the role of this variant in disease. Therefore, it has been classified as a Variant of Uncertain Significance.

NM_004006.3(DMD):c.2627A>T (p.Glu876Val)

Gene: DMD (dystrophin; minus strand). Cytogenetic location: Xp21.1.
Variant type: single nucleotide variant.
Coding change: c.2627A>T on transcript NM_004006.3 (MANE Select); coding-DNA position 2627, A replaced by T.
Protein change: p.Glu876Val; replaces glutamic acid 876 with valine.
Molecular consequence: missense variant.
Genome position (GRCh38, 1-based): chrX:32,485,095, T>A on the plus strand (A>T on the coding strand, the complement: DMD is on the minus strand). VCF-style: chrX-32485095-T-A. GRCh37 (hg19) VCF-style: chrX-32503212-T-A.
Other names: c.2603A>T, p.Glu868Val (NM_000109.4); c.2615A>T, p.Glu872Val (NM_004009.3); c.2258A>T, p.Glu753Val (NM_004010.3); short protein forms E753V, E872V, E876V, E868V.
Identifiers: ClinVar variation 3010477 (VCV003010477.3), dbSNP rs1569564731, ClinGen allele CA412671160.
Genomic context (GRCh38, chrX:32,485,095, plus strand): 5'-GCTATGCTTTGAATTTTTAATCGTTCAATTTGAGGTTGAAGATCTGATAGCCGGTTGACT[T>A]CATCCTGTGCCATAGAGTATGGAAAGTAAGTAACACGTTTACTTTGCATACATTACATTT-3'
Protein context (NP_003997.2, residues 866-886): IKSQLKICKD[Glu876Val]VNRLSDLQPQ